The following is an entry in ClinVar:

NM_001206999.2(CIT):c.23C>T (p.Ala8Val)

Gene: CIT (citron rho-interacting serine/threonine kinase; minus strand). Cytogenetic location: 12q24.23.
Variant type: single nucleotide variant.
Coding change: c.23C>T on transcript NM_001206999.2 (MANE Select); coding-DNA position 23, C replaced by T.
Protein change: p.Ala8Val; replaces alanine 8 with valine.
Molecular consequence: missense variant.
Genome position (GRCh38, 1-based): chr12:119,876,146, G>A on the plus strand (C>T on the coding strand, the complement: CIT is on the minus strand). VCF-style: chr12-119876146-G-A. GRCh37 (hg19) VCF-style: chr12-120313950-G-A.
Other names: c.23C>T, p.Ala8Val (NM_007174.3); c.23C>T (NM_001206999.1); short protein forms A8V.
Identifiers: ClinVar variation 1298560 (VCV001298560.40), dbSNP rs143030033, ClinGen allele CA6822542.

ClinVar aggregate classification (germline): Uncertain significance. Review status: criteria provided, multiple submitters, no conflicts (2 of 4 stars). 3 submissions from 3 submitters: Uncertain significance (3). Last evaluated 2025-12-17.

Conditions:
Inborn genetic diseases. Identifiers: MedGen C0950123, MeSH D030342.

Allele frequency attached by ClinVar (database versions not stated): TOPMed 0.00023; gnomAD exomes 0.00024 and 0.00032; gnomAD 0.00028; ExAC 0.00031; ESP Exome Variant Server 0.00031.
gnomAD v4.1: 502 of 1,613,480 alleles (0.031%); highest among the groups gnomAD compares: Non-Finnish European, 0.039%; no homozygotes.

Submissions (3):

Labcorp Genetics (formerly Invitae), Labcorp
Classification: Uncertain significance. Last evaluated: 2025-12-17. Review status: criteria provided, single submitter. Criteria: Invitae Variant Classification Sherloc (09022015). Collection method: clinical testing. Allele origin: germline.
Comment: This sequence change replaces alanine, which is neutral and non-polar, with valine, which is neutral and non-polar, at codon 8 of the CIT protein (p.Ala8Val). This variant is present in population databases (rs143030033, gnomAD 0.05%). This variant has not been reported in the literature in individuals affected with CIT-related conditions. ClinVar contains an entry for this variant (Variation ID: 1298560). An algorithm developed to predict the effect of missense changes on protein structure and function outputs the following: PolyPhen-2: "Benign". The valine amino acid residue is found in multiple mammalian species, which suggests that this missense change does not adversely affect protein function. In summary, the available evidence is currently insufficient to determine the role of this variant in disease. Therefore, it has been classified as a Variant of Uncertain Significance.

Ambry Genetics
Classification: Uncertain significance for Inborn genetic diseases. Last evaluated: 2022-09-29. Review status: criteria provided, single submitter. Criteria: Ambry Variant Classification Scheme 2023. Collection method: clinical testing. Allele origin: germline.

CeGaT Center for Human Genetics Tuebingen
Classification: Uncertain significance. Last evaluated: 2021-07-01. Review status: criteria provided, single submitter. Criteria: CeGaT Center For Human Genetics Tuebingen Variant Classification Criteria Version 2. Collection method: clinical testing. Allele origin: germline. Affected: yes. Observed: 1 variant allele.